The following is an entry in ClinVar:

NM_130837.3(OPA1):c.2572GAG[1] (p.Glu859del)

Gene: OPA1 (OPA1 mitochondrial dynamin like GTPase; plus strand). Cytogenetic location: 3q29.
Variant type: Microsatellite.
Coding change: c.2572GAG[1] on transcript NM_130837.3 (MANE Select); one copy of the 3-base unit GAG starting at c.2572; the reference has two copies in a row; one copy, 3 bases deleted.
Protein change: p.Glu859del; deletes glutamic acid 859.
Molecular consequence: inframe deletion.
Genome position (GRCh38, 1-based): chr3:193,662,876-193,662,878, GAG deleted; deleting any 3 consecutive bases within chr3:193,662,873-193,662,878 gives the same sequence; the position shown is the placement nearest the transcript's 3' end. VCF-style (leftmost placement, unchanged base first): chr3-193662872-TGAG-T. GRCh37 (hg19) VCF-style: chr3-193380661-TGAG-T.
Other names: c.2038GAG[1], p.Glu681del (NM_001354663.2); c.2035GAG[1], p.Glu680del (NM_001354664.2); c.2407GAG[1], p.Glu804del (NM_015560.3); c.2299GAG[1], p.Glu768del (NM_130831.3); c.2353GAG[1], p.Glu786del (NM_130832.3); c.2410GAG[1], p.Glu805del (NM_130833.3); c.2461GAG[1], p.Glu822del (NM_130834.3); c.2464GAG[1], p.Glu823del (NM_130835.3); and 1 more; short protein forms E768del, E805del, E859del, E786del, E841del, E804del, E822del, E823del.
Identifiers: ClinVar variation 3001117 (VCV003001117.3), dbSNP rs1715625206, ClinGen allele CA1057911373.
Genomic context (GRCh38, chr3:193,662,872, plus strand): 5'-CATTTTAAAGTGTGTTCACAATGAAACCAAGAATGAATTGGAGAAGATGTTGAAATGTAA[TGAG>T]GAGCACCCAGCTTATCTTGCAAGTGATGAAATAACCACAGTCCGGAAGAACCTTGAATCC-3'

ClinVar aggregate classification (germline): Uncertain significance (1 of 4 stars; one submission).

Submission:

Labcorp Genetics (formerly Invitae), Labcorp
Classification: Uncertain significance. Last evaluated: 2023-06-05. Review status: criteria provided, single submitter. Criteria: Invitae Variant Classification Sherloc (09022015). Collection method: clinical testing. Allele origin: germline.
Comment: In summary, the available evidence is currently insufficient to determine the role of this variant in disease. Therefore, it has been classified as a Variant of Uncertain Significance. Experimental studies and prediction algorithms are not available or were not evaluated, and the functional significance of this variant is currently unknown. This variant has not been reported in the literature in individuals affected with OPA1-related conditions. This variant is not present in population databases (gnomAD no frequency). This variant, c.2410_2412del, results in the deletion of 1 amino acid(s) of the OPA1 protein (p.Glu804del), but otherwise preserves the integrity of the reading frame.